The following is an entry in ClinVar:

ClinVar aggregate classification (germline): Uncertain significance (1 of 4 stars; one submission).

Conditions:
Mowat-Wilson syndrome (MOWS). Also called: Classic Mowat-Wilson Syndrome. Identifiers: Orphanet 2152, MedGen C1856113, MONDO:0009341, OMIM 235730.

gnomAD v4.1: 1 of 1,614,048 alleles (0.000062%); highest among the groups gnomAD compares: Non-Finnish European, 0.000085%; no homozygotes.

Submission:

Labcorp Genetics (formerly Invitae), Labcorp
Classification: Uncertain significance for Mowat-Wilson syndrome. Last evaluated: 2021-12-02. Review status: criteria provided, single submitter. Criteria: Invitae Variant Classification Sherloc (09022015). Collection method: clinical testing. Allele origin: germline.
Comment: This sequence change replaces alanine, which is neutral and non-polar, with valine, which is neutral and non-polar, at codon 633 of the ZEB2 protein (p.Ala633Val). This variant is not present in population databases (gnomAD no frequency). This variant has not been reported in the literature in individuals affected with ZEB2-related conditions. Algorithms developed to predict the effect of missense changes on protein structure and function (SIFT, PolyPhen-2, Align-GVGD) all suggest that this variant is likely to be tolerated. In summary, the available evidence is currently insufficient to determine the role of this variant in disease. Therefore, it has been classified as a Variant of Uncertain Significance.

NM_014795.4(ZEB2):c.1898C>T (p.Ala633Val)

Gene: ZEB2 (zinc finger E-box binding homeobox 2; minus strand). Cytogenetic location: 2q22.3.
Variant type: single nucleotide variant.
Coding change: c.1898C>T on transcript NM_014795.4 (MANE Select); coding-DNA position 1898, C replaced by T.
Protein change: p.Ala633Val; replaces alanine 633 with valine.
Molecular consequence: missense variant.
Genome position (GRCh38, 1-based): chr2:144,399,289, G>A on the plus strand (C>T on the coding strand, the complement: ZEB2 is on the minus strand). VCF-style: chr2-144399289-G-A. GRCh37 (hg19) VCF-style: chr2-145156856-G-A.
Other names: c.1826C>T, p.Ala609Val (NM_001171653.2); short protein forms A609V, A633V.
Identifiers: ClinVar variation 1461059 (VCV001461059.8), dbSNP rs2149876989, ClinGen allele CA348709789.